The following is an entry in ClinVar:

NM_001081.4(CUBN):c.4947del (p.Ser1648_Trp1649insTer)

Gene: CUBN (cubilin; minus strand). Cytogenetic location: 10p13.
Variant type: Deletion.
Coding change: c.4947del on transcript NM_001081.4 (MANE Select); coding-DNA position 4947, one base deleted (G; older notation c.4947delG).
Protein change: p.Ser1648_Trp1649insTer.
Molecular consequence: nonsense.
Genome position (GRCh38, 1-based): chr10:16,952,298, C deleted on the plus strand (G on the coding strand, the reverse complement: CUBN is on the minus strand); the first of 2 consecutive C bases (chr10:16,952,298-16,952,299); deleting either gives the same sequence. VCF-style (leftmost placement, unchanged base first): chr10-16952297-TC-T. GRCh37 (hg19) VCF-style: chr10-16994296-TC-T.
Identifiers: ClinVar variation 5018753 (VCV005018753.2).

ClinVar aggregate classification (germline): Likely pathogenic (1 of 4 stars; one submission).

Conditions:
Proteinuria, chronic benign. Identifiers: MedGen C5394384, MONDO:0030042, OMIM 618884.
Imerslund-Grasbeck syndrome type 1 (IGS1). Also called: Megaloblastic anemia 1, Finnish type; Imerslund-Gräsbeck syndrome 1; MEGALOBLASTIC ANEMIA, 1. Identifiers: MedGen C4016819, MONDO:0100156, OMIM 261100.

Submission:

Juno Genomics, Hangzhou Juno Genomics, Inc
Classification: Likely pathogenic for Proteinuria, chronic benign; Imerslund-Grasbeck syndrome type 1. Review status: criteria provided, single submitter. Criteria: ACMG Guidelines, 2015. Collection method: clinical testing. Allele origin: germline.
Comment: Absent from controls (or at extremely low frequency if recessive) in Genome Aggregation Database.;Null variant in a gene where loss of function (LOF) is a known mechanism of disease.